The following is an entry in ClinVar:

NM_001292063.2(OTOG):c.5768T>C (p.Met1923Thr)

Gene: OTOG (otogelin; plus strand). Cytogenetic location: 11p15.1.
Variant type: single nucleotide variant.
Coding change: c.5768T>C on transcript NM_001292063.2 (MANE Select); coding-DNA position 5768, T replaced by C.
Protein change: p.Met1923Thr; replaces methionine 1923 with threonine.
Molecular consequence: missense variant.
Genome position (GRCh38, 1-based): chr11:17,611,068, T>C. VCF-style: chr11-17611068-T-C. GRCh37 (hg19) VCF-style: chr11-17632615-T-C.
Other names: c.5804T>C, p.Met1935Thr (NM_001277269.2); short protein forms M1935T, M1923T.
Identifiers: ClinVar variation 226899 (VCV000226899.17), dbSNP rs61732913, ClinGen allele CA5905951.

ClinVar aggregate classification (germline): Benign/Likely benign. Review status: criteria provided, multiple submitters, no conflicts (2 of 4 stars). 5 submissions from 5 submitters: Benign (4); Likely benign (1). Last evaluated 2026-01-27.

Allele frequency attached by ClinVar (database versions not stated): ExAC 0.00161; gnomAD exomes 0.00161; gnomAD 0.00885 and 0.00944; 1000 Genomes Project 0.00899; TOPMed 0.00988; 1000 Genomes Project 30x 0.01031.

Submissions (5):

Labcorp Genetics (formerly Invitae), Labcorp
Classification: Benign. Last evaluated: 2026-01-27. Review status: criteria provided, single submitter. Criteria: Invitae Variant Classification Sherloc (09022015). Collection method: clinical testing. Allele origin: germline.

Blueprint Genetics
Classification: Likely benign. Last evaluated: 2024-08-23. Review status: criteria provided, single submitter. Criteria: ACMG Guidelines, 2015. Collection method: clinical testing. Allele origin: germline.

GeneDx
Classification: Benign. Last evaluated: 2018-03-27. Review status: criteria provided, single submitter. Criteria: GeneDx Variant Classification (06012015). Collection method: clinical testing. Allele origin: germline. Affected: yes.
Comment: This variant is considered likely benign or benign based on one or more of the following criteria: it is a conservative change, it occurs at a poorly conserved position in the protein, it is predicted to be benign by multiple in silico algorithms, and/or has population frequency not consistent with disease.

Laboratory for Molecular Medicine, Mass General Brigham Personalized Medicine
Classification: Benign. Last evaluated: 2014-11-24. Review status: criteria provided, single submitter. Criteria: LMM Criteria. Collection method: clinical testing. Allele origin: germline. Observed: 8 variant alleles.
Comment: Met1935Thr in exon 35 of OTOG: This variant is not expected to have clinical sig nificance because it has been identified in 4.9% (6/122) of African American chr omosomes from a broad population by the 1000 Genomes Project (m.; dbSNP rs61732913).

Breakthrough Genomics
Classification: Benign. Review status: criteria provided, single submitter. Criteria: ACMG Guidelines, 2015. Collection method: not provided. Allele origin: germline. Inheritance: Autosomal recessive inheritance. Affected: yes.